The following is an entry in ClinVar:

ClinVar aggregate classification (germline): Uncertain significance (1 of 4 stars; one submission).

Conditions:
Hereditary sensory and autonomic neuropathy type 6. Also called: Neuropathy, hereditary sensory and autonomic, type VI; HSAN VI. Identifiers: Orphanet 314381, MedGen C3539003, MONDO:0013839, OMIM 614653.
Epidermolysis bullosa simplex 3, localized or generalized intermediate, with BP230 deficiency (EBS3). Also called: Epidermolysis bullosa simplex due to BP230 deficiency; Epidermolysis bullosa simplex, autosomal recessive 2. Identifiers: Orphanet 412181, MedGen C3809470, MONDO:0014180, OMIM 615425.

Allele frequency attached by ClinVar (database versions not stated): gnomAD exomes below 0.00001; TOPMed 0.00002.
gnomAD v4.1: 4 of 1,613,782 alleles (0.00025%); highest among the groups gnomAD compares: African/African-American, 0.0013%; no homozygotes.

Submission:

Labcorp Genetics (formerly Invitae), Labcorp
Classification: Uncertain significance for Epidermolysis bullosa simplex 3, localized or generalized intermediate, with BP230 deficiency; Hereditary sensory and autonomic neuropathy type 6. Last evaluated: 2022-05-13. Review status: criteria provided, single submitter. Criteria: Invitae Variant Classification Sherloc (09022015). Collection method: clinical testing. Allele origin: germline.
Comment: In summary, the available evidence is currently insufficient to determine the role of this variant in disease. Therefore, it has been classified as a Variant of Uncertain Significance. Experimental studies and prediction algorithms are not available or were not evaluated, and the functional significance of this variant is currently unknown. This variant has not been reported in the literature in individuals affected with DST-related conditions. This variant is present in population databases (no rsID available, gnomAD 0.0009%). This sequence change replaces arginine, which is basic and polar, with glutamine, which is neutral and polar, at codon 3522 of the DST protein (p.Arg3522Gln). The DST gene has multiple clinically relevant transcripts. This variant occurs in alternate transcript NM_015548.4, and corresponds to NM_001723.5:c.*99925G>A in the primary transcript.

NM_001374736.1(DST):c.18434G>A (p.Arg6145Gln)

Gene: DST (dystonin; minus strand). Cytogenetic location: 6p12.1.
Variant type: single nucleotide variant.
Coding change: c.18434G>A on transcript NM_001374736.1 (MANE Select); coding-DNA position 18434, G replaced by A.
Protein change: p.Arg6145Gln; replaces arginine 6145 with glutamine.
Molecular consequence: missense variant.
Genome position (GRCh38, 1-based): chr6:56,515,592, C>T on the plus strand (G>A on the coding strand, the complement: DST is on the minus strand). VCF-style: chr6-56515592-C-T. GRCh37 (hg19) VCF-style: chr6-56380390-C-T.
Other names: c.12077G>A, p.Arg4026Gln (NM_001144769.5); c.11663G>A, p.Arg3888Gln (NM_001144770.2); c.18434G>A, p.Arg6145Gln (NM_001374722.1); c.17474G>A, p.Arg5825Gln (NM_001374729.1); c.11216G>A, p.Arg3739Gln (NM_001374730.1); c.18461G>A, p.Arg6154Gln (NM_001374734.1); c.11543G>A, p.Arg3848Gln (NM_001386100.1, NM_183380.4); c.10565G>A, p.Arg3522Gln (NM_015548.5); short protein forms R6145Q, R4026Q, R5825Q, R3739Q, R3888Q, R6154Q, R3522Q, R3848Q.
Identifiers: ClinVar variation 2146840 (VCV002146840.4), dbSNP rs1467598446, ClinGen allele CA364503310.